The following is an entry in ClinVar:

ClinVar aggregate classification (germline): Likely benign. Review status: criteria provided, single submitter (1 of 4 stars). 2 submissions from 2 submitters: Likely benign (1). 1 of the submissions does not count toward it. Last evaluated 2025-09-27.

Conditions:
PIK3AP1-related disorder. Also called: PIK3AP1-related condition.
Infantile spasms. Also called: Infantile spasm. Identifiers: MedGen C3887898, HP:0012469.

Allele frequency attached by ClinVar (database versions not stated): gnomAD exomes 0.00004 and 0.00009; ExAC 0.00010; gnomAD 0.00034 and 0.00030; ESP Exome Variant Server 0.00046; 1000 Genomes Project 0.00020; 1000 Genomes Project 30x 0.00031; TOPMed 0.00032.
gnomAD v4.1: 114 of 1,614,152 alleles (0.0071%); highest among the groups gnomAD compares: African/African-American, 0.13%; 1 homozygote.

Submissions (2):

Labcorp Genetics (formerly Invitae), Labcorp
Classification: Likely benign for Infantile spasms. Last evaluated: 2025-09-27. Review status: criteria provided, single submitter. Criteria: Invitae Variant Classification Sherloc (09022015). Collection method: clinical testing. Allele origin: germline.

PreventionGenetics, part of Exact Sciences
Classification: Likely benign for PIK3AP1-related condition. Last evaluated: 2019-02-22. Review status: no assertion criteria provided. Collection method: clinical testing. Allele origin: germline. Not counted in ClinVar's aggregate classification.
Comment: This variant is classified as likely benign based on ACMG/AMP sequence variant interpretation guidelines (Richards et al. 2015 PMID: 25741868, with internal and published modifications).

NM_152309.3(PIK3AP1):c.1495C>T (p.Leu499=)

Gene: PIK3AP1 (phosphoinositide-3-kinase adaptor protein 1; minus strand). Cytogenetic location: 10q24.1.
Variant type: single nucleotide variant.
Coding change: c.1495C>T on transcript NM_152309.3 (MANE Select); coding-DNA position 1495, C replaced by T.
Protein change: p.Leu499=; no amino-acid change (leucine 499 retained).
Molecular consequence: synonymous variant.
Genome position (GRCh38, 1-based): chr10:96,626,882, G>A on the plus strand (C>T on the coding strand, the complement: PIK3AP1 is on the minus strand). VCF-style: chr10-96626882-G-A. GRCh37 (hg19) VCF-style: chr10-98386639-G-A.
Identifiers: ClinVar variation 474914 (VCV000474914.14), dbSNP rs199720844, ClinGen allele CA5626229.